The following is an entry in ClinVar:

ClinVar aggregate classification (germline): Likely pathogenic (1 of 4 stars; one submission).

Conditions:
Vitelliform macular dystrophy 2. Also called: Best vitelliform macular dystrophy, multifocal; Best Vitelliform Macular Dystrophy (BVMD); Best Macular Dystrophy; VITELLIFORM MACULAR DYSTROPHY, EARLY-ONSET; VITELLIFORM MACULAR DYSTROPHY, JUVENILE-ONSET; MACULAR DEGENERATION, POLYMORPHIC VITELLINE. Identifiers: Orphanet 1243, MedGen C2745945, MONDO:0007931, OMIM 153700.

gnomAD v4.1: 2 of 1,614,224 alleles (0.00012%); highest among the groups gnomAD compares: East Asian, 0.0045%; no homozygotes.

Submission:

SingHealth Duke-NUS Institute of Precision Medicine
Classification: Likely pathogenic for Vitelliform macular dystrophy 2. Last evaluated: 2025-02-05. Review status: criteria provided, single submitter. Criteria: PRISM ACMG Classification Criteria. Collection method: clinical testing. Allele origin: germline. Affected: yes.
Comment: Variant is located in a mutational hotspot where 80% of known variants are pathogenic (PM1_str). Homozygous allele count in gnomAD exomes is less than 0 and variant is also not found in gnomAD genomes(PM2). Another variant at this amino acid residue has been classified as pathogenic/likely pathogenic (PM5, p.Leu75Pro). REVEL score is 0.768 (PP3_mod)

NM_004183.4(BEST1):c.223C>T (p.Leu75Phe)

Gene: BEST1 (bestrophin 1; plus strand). Cytogenetic location: 11q12.3.
Variant type: single nucleotide variant.
Coding change: c.223C>T on transcript NM_004183.4 (MANE Select); coding-DNA position 223, C replaced by T.
Protein change: p.Leu75Phe; replaces leucine 75 with phenylalanine.
Molecular consequence: missense variant. On other transcripts: non-coding transcript variant (1).
Genome position (GRCh38, 1-based): chr11:61,955,177, C>T. VCF-style: chr11-61955177-C-T. GRCh37 (hg19) VCF-style: chr11-61722649-C-T.
Other names: c.43C>T, p.Leu15Phe (NM_001139443.3, NM_001300786.2, NM_001300787.2); c.223C>T, p.Leu75Phe (NM_001363592.2); short protein forms L15F, L75F.
Identifiers: ClinVar variation 3767340 (VCV003767340.1).